The following is an entry in ClinVar:

NM_006371.5(CRTAP):c.*777C>A

Gene: CRTAP (cartilage associated protein; plus strand). Cytogenetic location: 3p22.3.
Variant type: single nucleotide variant.
Coding change: c.*777C>A on transcript NM_006371.5 (MANE Select); 777 bases downstream of the stop codon, C replaced by A.
Molecular consequence: 3 prime UTR variant.
Genome position (GRCh38, 1-based): chr3:33,143,225, C>A. VCF-style: chr3-33143225-C-A. GRCh37 (hg19) VCF-style: chr3-33184717-C-A.
Other names: c.*777C>A (NM_001393363.1, NM_001393364.1, NM_001393365.1).
Identifiers: ClinVar variation 344826 (VCV000344826.5), dbSNP rs116759530, ClinGen allele CA10615657.

ClinVar aggregate classification (germline): Benign (1 of 4 stars; one submission).

Conditions:
Osteogenesis imperfecta type 7 (OI7). Also called: OI type 7; OI type VII; OSTEOGENESIS IMPERFECTA, TYPE IIB; Osteogenesis imperfecta type 2B; OI type 2B; Osteogenesis imperfecta, perinatal lethal autosomal recessive. Identifiers: MedGen C1853162, MONDO:0012536, OMIM 610682.

Allele frequency attached by ClinVar (database versions not stated): gnomAD 0.01668 and 0.01795; 1000 Genomes Project 0.01857; 1000 Genomes Project 30x 0.01858; TOPMed 0.01912.

Submission:

Illumina Laboratory Services, Illumina
Classification: Benign for Osteogenesis imperfecta type 7. Last evaluated: 2018-01-13. Review status: criteria provided, single submitter. Criteria: ICSL Variant Classification Criteria 13 December 2019. Collection method: clinical testing. Allele origin: germline.
Comment: This variant was observed in the ICSL laboratory as part of a predisposition screen in an ostensibly healthy population. It had not been previously curated by ICSL or reported in the Human Gene Mutation Database (HGMD: prior to June 1st, 2018), and was therefore a candidate for classification through an automated scoring system. Utilizing variant allele frequency, disease prevalence and penetrance estimates, and inheritance mode, an automated score was calculated to assess if this variant is too frequent to cause the disease. Based on the score and internal cut-off values, a variant classified as benign is not then subjected to further curation. The score for this variant resulted in a classification of benign for this disease.